The following is an entry in ClinVar:

ClinVar aggregate classification (germline): Likely benign. Review status: criteria provided, multiple submitters, no conflicts (2 of 4 stars). 2 submissions from 2 submitters: Likely benign (2). Last evaluated 2025-12-22.

gnomAD v4.1: 31 of 1,614,052 alleles (0.0019%); highest among the groups gnomAD compares: Admixed American, 0.037%; no homozygotes.

Submissions (2):

Labcorp Genetics (formerly Invitae), Labcorp
Classification: Likely benign. Last evaluated: 2025-12-22. Review status: criteria provided, single submitter. Criteria: Invitae Variant Classification Sherloc (09022015). Collection method: clinical testing. Allele origin: germline.

CeGaT Center for Human Genetics Tuebingen
Classification: Likely benign. Last evaluated: 2024-12-01. Review status: criteria provided, single submitter. Criteria: CeGaT Center For Human Genetics Tuebingen Variant Classification Criteria Version 2. Collection method: clinical testing. Allele origin: germline. Affected: yes. Observed: 1 variant allele.
Comment: HIVEP2: BP4, BP7

NM_006734.4(HIVEP2):c.1170G>C (p.Pro390=)

Gene: HIVEP2 (HIVEP zinc finger 2; minus strand). Cytogenetic location: 6q24.2.
Variant type: single nucleotide variant.
Coding change: c.1170G>C on transcript NM_006734.4 (MANE Select); coding-DNA position 1170, G replaced by C.
Protein change: p.Pro390=; no amino-acid change (proline 390 retained).
Molecular consequence: synonymous variant.
Genome position (GRCh38, 1-based): chr6:142,773,569, C>G on the plus strand (G>C on the coding strand, the complement: HIVEP2 is on the minus strand). VCF-style: chr6-142773569-C-G. GRCh37 (hg19) VCF-style: chr6-143094706-C-G.
Identifiers: ClinVar variation 2187255 (VCV002187255.17), dbSNP rs201805399, ClinGen allele CA149019803.